The following is an entry in ClinVar:

NM_000135.4(FANCA):c.542dup (p.Val182fs)

Gene: FANCA (FA complementation group A; minus strand). Cytogenetic location: 16q24.3.
Variant type: Duplication.
Coding change: c.542dup on transcript NM_000135.4 (MANE Select); coding-DNA position 542, one base duplicated (C; older notation c.542dupC).
Protein change: p.Val182fs; shifts the reading frame from valine 182.
Molecular consequence: frameshift variant.
Genome position (GRCh38, 1-based): chr16:89,808,348, G duplicated on the plus strand (C on the coding strand, the reverse complement: FANCA is on the minus strand). VCF-style (leftmost placement, unchanged base first): chr16-89808347-C-CG. GRCh37 (hg19) VCF-style: chr16-89874755-C-CG.
Other names: c.542dup, p.Val182fs (NM_001018112.3, NM_001286167.3); c.446dup, p.Val150fs (NM_001351830.2); short protein forms V182fs, V150fs.
Identifiers: ClinVar variation 2089007 (VCV002089007.4), dbSNP rs2542419680, ClinGen allele CA2580092341.
Genomic context (GRCh38, chr16:89,808,347, plus strand): 5'-ACGCTACCTTTCCAGCAGCTCTTGCAGGCTCACAATGCCTTGTACGTGAAGATGCCACAC[C>CG]GCTTCAAGCAACAAAGAACTCTGAAAAACAAAACAAAACAAACAAAAACAAAAACAAAAA-3'

ClinVar aggregate classification (germline): Pathogenic (1 of 4 stars; one submission).

Conditions:
Fanconi anemia (FA). Also called: Fanconi's anemia. Identifiers: Orphanet 84, MedGen C0015625, MeSH D005199, MONDO:0019391.

Submission:

Labcorp Genetics (formerly Invitae), Labcorp
Classification: Pathogenic for Fanconi anemia. Last evaluated: 2022-01-22. Review status: criteria provided, single submitter. Criteria: Invitae Variant Classification Sherloc (09022015). Collection method: clinical testing. Allele origin: germline.
Comment: For these reasons, this variant has been classified as Pathogenic. This variant has not been reported in the literature in individuals affected with FANCA-related conditions. This variant is not present in population databases (gnomAD no frequency). This sequence change creates a premature translational stop signal (p.Val182Glyfs*38) in the FANCA gene. It is expected to result in an absent or disrupted protein product. Loss-of-function variants in FANCA are known to be pathogenic (PMID: 19367192).

Literature cited by the submitters: PubMed 19367192.